The following is an entry in ClinVar:

ClinVar aggregate classification (germline): Uncertain significance (1 of 4 stars; one submission).

gnomAD v4.1: 2 of 1,613,846 alleles (0.00012%); highest among the groups gnomAD compares: African/African-American, 0.0027%; no homozygotes.

Submission:

Labcorp Genetics (formerly Invitae), Labcorp
Classification: Uncertain significance. Last evaluated: 2024-04-17. Review status: criteria provided, single submitter. Criteria: Invitae Variant Classification Sherloc (09022015). Collection method: clinical testing. Allele origin: germline.
Comment: This sequence change replaces serine, which is neutral and polar, with arginine, which is basic and polar, at codon 983 of the AP3D1 protein (p.Ser983Arg). This variant is present in population databases (no rsID available, gnomAD 0.01%). This variant has not been reported in the literature in individuals affected with AP3D1-related conditions. An algorithm developed to predict the effect of missense changes on protein structure and function (PolyPhen-2) suggests that this variant is likely to be tolerated. In summary, the available evidence is currently insufficient to determine the role of this variant in disease. Therefore, it has been classified as a Variant of Uncertain Significance.

NM_001261826.3(AP3D1):c.2947A>C (p.Ser983Arg)

Gene: AP3D1 (adaptor related protein complex 3 subunit delta 1; minus strand). Cytogenetic location: 19p13.3.
Variant type: single nucleotide variant.
Coding change: c.2947A>C on transcript NM_001261826.3 (MANE Select); coding-DNA position 2947, A replaced by C.
Protein change: p.Ser983Arg; replaces serine 983 with arginine.
Molecular consequence: missense variant.
Genome position (GRCh38, 1-based): chr19:2,111,323, T>G on the plus strand (A>C on the coding strand, the complement: AP3D1 is on the minus strand). VCF-style: chr19-2111323-T-G. GRCh37 (hg19) VCF-style: chr19-2111322-T-G.
Other names: c.2911A>C, p.Ser971Arg (NM_001374799.1); c.2761A>C, p.Ser921Arg (NM_003938.8); short protein forms S983R, S921R, S971R.
Identifiers: ClinVar variation 3676437 (VCV003676437.2).